The following is an entry in ClinVar:

ClinVar aggregate classification (germline): Likely benign. Review status: criteria provided, multiple submitters, no conflicts (2 of 4 stars). 4 submissions from 4 submitters: Likely benign (3). 1 of the submissions does not count toward it. Last evaluated 2026-01-04.

Conditions:
HMCN1-related disorder. Also called: HMCN1-related condition.

Allele frequency attached by ClinVar (database versions not stated): 1000 Genomes Project 30x 0.00016; TOPMed 0.00016; 1000 Genomes Project 0.00020; ESP Exome Variant Server 0.00031.
gnomAD v4.1: 569 of 1,610,206 alleles (0.035%); highest among the groups gnomAD compares: South Asian, 0.35%; 4 homozygotes.

Submissions (4):

Labcorp Genetics (formerly Invitae), Labcorp
Classification: Likely benign. Last evaluated: 2026-01-04. Review status: criteria provided, single submitter. Criteria: Invitae Variant Classification Sherloc (09022015). Collection method: clinical testing. Allele origin: germline.

PreventionGenetics, part of Exact Sciences
Classification: Likely benign for HMCN1-related condition. Last evaluated: 2025-08-05. Review status: criteria provided, single submitter. Criteria: ACMG Guidelines, 2015. Collection method: clinical testing. Allele origin: germline.
Comment: This variant is classified as likely benign based on ACMG/AMP sequence variant interpretation guidelines (Richards et al. 2015 PMID: 25741868, with internal and published modifications).

Breakthrough Genomics
Classification: Likely benign. Review status: criteria provided, single submitter. Criteria: ACMG Guidelines, 2015. Collection method: not provided. Allele origin: germline. Inheritance: Autosomal dominant inheritance. Affected: yes.

NEI Ophthalmic Genomics Laboratory, National Institutes of Health
No classification provided. Review status: no classification provided. Collection method: not provided. Allele origin: not provided. Not counted in ClinVar's aggregate classification.

NM_031935.3(HMCN1):c.5482A>G (p.Ile1828Val)

Gene: HMCN1 (hemicentin 1; plus strand). Cytogenetic location: 1q31.1.
Variant type: single nucleotide variant.
Coding change: c.5482A>G on transcript NM_031935.3 (MANE Select); coding-DNA position 5482, A replaced by G.
Protein change: p.Ile1828Val; replaces isoleucine 1828 with valine.
Molecular consequence: missense variant.
Genome position (GRCh38, 1-based): chr1:186,019,552, A>G. VCF-style: chr1-186019552-A-G. GRCh37 (hg19) VCF-style: chr1-185988684-A-G.
Other names: short protein forms I1828V.
Identifiers: ClinVar variation 100598 (VCV000100598.11), dbSNP rs137853915, ClinGen allele CA228939.
Genomic context (GRCh38, chr1:186,019,552, plus strand): 5'-GACCTCACTGATTATGGTTTCATTCCCTCTCCCCCTTCCTTAAATATAGTTCCTCCAACA[A>G]TCAAGTCCTCAGGCCTTTCTGAGAGAGTTGTGGTAAAATACAAGCCTGTCGCCTTGCAGT-3'
Protein context (NP_114141.2, residues 1818-1838): FEVTVHVPPT[Ile1828Val]KSSGLSERVV